The following is an entry in ClinVar:

ClinVar aggregate classification (germline): Likely pathogenic (1 of 4 stars; one submission).

Conditions:
Microphthalmia. Also called: Microphthalmos. Identifiers: MedGen C0026010, MONDO:0021129, HP:0000568.

Submission:

Genetics Department, University Hospital of Toulouse
Classification: Likely pathogenic for Microphthalmia. Last evaluated: 2022-10-15. Review status: criteria provided, single submitter. Criteria: ACMG Guidelines, 2015. Collection method: clinical testing. Allele origin: germline. Affected: yes.
Comment: LP (PS2, PM2, PP3)

NM_000965.5(RARB):c.307G>T (p.Gly103Cys)

Gene: RARB (retinoic acid receptor beta; plus strand). Cytogenetic location: 3p24.2.
Variant type: single nucleotide variant.
Coding change: c.307G>T on transcript NM_000965.5 (MANE Select); coding-DNA position 307, G replaced by T.
Protein change: p.Gly103Cys; replaces glycine 103 with cysteine.
Molecular consequence: missense variant. On other transcripts: 5 prime UTR variant (3), non-coding transcript variant (2).
Genome position (GRCh38, 1-based): chr3:25,501,182, G>T. VCF-style: chr3-25501182-G-T. GRCh37 (hg19) VCF-style: chr3-25542673-G-T.
Other names: c.328G>T, p.Gly110Cys (NM_001290216.3); c.-30G>T (NM_001290217.2, NM_001290276.2, NM_016152.4); c.160G>T, p.Gly54Cys (NM_001290266.2); c.307G>T, p.Gly103Cys (NM_001290277.1); c.178G>T, p.Gly60Cys (NM_001290300.2); short protein forms G103C, G110C, G54C, G60C.
Identifiers: ClinVar variation 1710325 (VCV001710325.1), dbSNP rs2529457082, ClinGen allele CA351957128.
Genomic context (GRCh38, chr3:25,501,182, plus strand): 5'-TGATTTCTGATGAAGCTCATTTGCTTTACTGAGTTTTTTCATCTTCTTGCTTGCTTGCAG[G>T]GCTTTTTCCGCAGAAGTATTCAGAAGAATATGATTTACACTTGTCACCGAGATAAGAACT-3'
Protein context (NP_000956.2, residues 93-113): YGVSACEGCK[Gly103Cys]FFRRSIQKNM